The following is an entry in ClinVar:

ClinVar aggregate classification (germline): Likely benign (1 of 4 stars; one submission).

Allele frequency attached by ClinVar (database versions not stated): gnomAD 0.00001.
gnomAD v4.1: 2 of 1,613,860 alleles (0.00012%); highest among the groups gnomAD compares: Admixed American, 0.0017%; no homozygotes.

Submission:

CeGaT Center for Human Genetics Tuebingen
Classification: Likely benign. Last evaluated: 2023-10-01. Review status: criteria provided, single submitter. Criteria: CeGaT Center For Human Genetics Tuebingen Variant Classification Criteria Version 2. Collection method: clinical testing. Allele origin: germline. Affected: yes. Observed: 1 variant allele.
Comment: VPS33A: BP4, BP7

NM_022916.6(VPS33A):c.351T>A (p.Arg117=)

Gene: VPS33A (VPS33A core subunit of CORVET and HOPS complexes; minus strand). Cytogenetic location: 12q24.31.
Variant type: single nucleotide variant.
Coding change: c.351T>A on transcript NM_022916.6 (MANE Select); coding-DNA position 351, T replaced by A.
Protein change: p.Arg117=; no amino-acid change (arginine 117 retained).
Molecular consequence: synonymous variant.
Genome position (GRCh38, 1-based): chr12:122,261,393, A>T on the plus strand (T>A on the coding strand, the complement: VPS33A is on the minus strand). VCF-style: chr12-122261393-A-T. GRCh37 (hg19) VCF-style: chr12-122745940-A-T.
Other names: c.318T>A, p.Arg106= (NM_001351018.2); c.303T>A, p.Arg101= (NM_001351019.2); c.351T>A, p.Arg117= (NM_001351020.2, NM_001351021.2).
Identifiers: ClinVar variation 2643496 (VCV002643496.24), dbSNP rs1036730940, ClinGen allele CA244707778.